The following is an entry in ClinVar:

NM_018075.5(ANO10):c.1A>T (p.Met1Leu)

Gene: ANO10 (anoctamin 10; minus strand). Cytogenetic location: 3p21.33.
Variant type: single nucleotide variant.
Coding change: c.1A>T on transcript NM_018075.5 (MANE Select); coding-DNA position 1, A replaced by T.
Protein change: p.Met1Leu; changes the start codon (methionine 1).
Molecular consequence: missense variant, initiator codon variant.
Genome position (GRCh38, 1-based): chr3:43,605,852, T>A on the plus strand (A>T on the coding strand, the complement: ANO10 is on the minus strand). VCF-style: chr3-43605852-T-A. GRCh37 (hg19) VCF-style: chr3-43647344-T-A.
Other names: c.1A>T, p.Met1Leu (NM_001204831.3, NM_001204832.3, NM_001204833.3 and 8 more transcripts); short protein forms M1L.
Identifiers: ClinVar variation 3336230 (VCV003336230.3).

ClinVar aggregate classification (germline): Conflicting classifications of pathogenicity. Review status: criteria provided, conflicting classifications (1 of 4 stars). 3 submissions from 3 submitters: Pathogenic (1); Likely pathogenic (1); Uncertain significance (1). Last evaluated 2025-01-14.

Conditions:
Autosomal recessive spinocerebellar ataxia 10. Identifiers: Orphanet 284289, MedGen C3150998, MONDO:0013392, OMIM 613728.

Submissions (3):

First Genomix Gene Laboratory, Genetic Diagnostics Department
Classification: Likely pathogenic for Autosomal recessive spinocerebellar ataxia 10. Last evaluated: 2025-01-14. Review status: criteria provided, single submitter. Criteria: ACMG Guidelines, 2015. Collection method: clinical testing. Allele origin: germline. Inheritance: Autosomal recessive inheritance. Affected: no. Observed: 1 variant allele.

Fulgent Genetics
Classification: Pathogenic for Autosomal recessive spinocerebellar ataxia 10. Last evaluated: 2024-05-09. Review status: criteria provided, single submitter. Criteria: ACMG Guidelines, 2015. Collection method: clinical testing. Allele origin: germline.

Women's Health and Genetics/Laboratory Corporation of America, LabCorp
Classification: Uncertain significance. Last evaluated: 2024-05-02. Review status: criteria provided, single submitter. Criteria: LabCorp Variant Classification Summary - May 2015. Collection method: clinical testing. Allele origin: germline.
Comment: Variant summary: ANO10 c.1A>T (p.Met1Leu) alters the initiation codon and is predicted to result either in absence of the protein or truncation of the encoded protein due to translation initiation at a downstream codon (codon 79). Two of three in-silico tools predict a damaging effect of the variant on protein function. The variant allele was found at a frequency of 4e-06 in 251054 control chromosomes. The available data on variant occurrences in the general population are insufficient to allow any conclusion about variant significance. To our knowledge, no occurrence of c.1A>T in individuals affected with Spinocerebellar ataxia 10 and no experimental evidence demonstrating its impact on protein function have been reported. No submitters have cited clinical-significance assessments for this variant to ClinVar. Based on the evidence outlined above, the variant was classified as uncertain significance.